The following is an entry in ClinVar:

NM_001845.6(COL4A1):c.3259A>G (p.Ile1087Val)

Gene: COL4A1 (collagen type IV alpha 1 chain; minus strand). Cytogenetic location: 13q34.
Variant type: single nucleotide variant.
Coding change: c.3259A>G on transcript NM_001845.6 (MANE Select); coding-DNA position 3259, A replaced by G.
Protein change: p.Ile1087Val; replaces isoleucine 1087 with valine.
Molecular consequence: missense variant.
Genome position (GRCh38, 1-based): chr13:110,174,689, T>C on the plus strand (A>G on the coding strand, the complement: COL4A1 is on the minus strand). VCF-style: chr13-110174689-T-C. GRCh37 (hg19) VCF-style: chr13-110827036-T-C.
Other names: short protein forms I1087V.
Identifiers: ClinVar variation 1962707 (VCV001962707.5), dbSNP rs1196842525, ClinGen allele CA388664631.

ClinVar aggregate classification (germline): Uncertain significance (1 of 4 stars; one submission).

Allele frequency attached by ClinVar (database versions not stated): gnomAD exomes below 0.00001.
gnomAD v4.1: 2 of 1,613,862 alleles (0.00012%); highest among the groups gnomAD compares: South Asian, 0.0011%; no homozygotes.

Submission:

Labcorp Genetics (formerly Invitae), Labcorp
Classification: Uncertain significance. Last evaluated: 2022-03-12. Review status: criteria provided, single submitter. Criteria: Invitae Variant Classification Sherloc (09022015). Collection method: clinical testing. Allele origin: germline.
Comment: In summary, the available evidence is currently insufficient to determine the role of this variant in disease. Therefore, it has been classified as a Variant of Uncertain Significance. Advanced modeling of protein sequence and biophysical properties (such as structural, functional, and spatial information, amino acid conservation, physicochemical variation, residue mobility, and thermodynamic stability) performed at Invitae indicates that this missense variant is not expected to disrupt COL4A1 protein function. This variant has not been reported in the literature in individuals affected with COL4A1-related conditions. This variant is present in population databases (no rsID available, gnomAD 0.003%). This sequence change replaces isoleucine, which is neutral and non-polar, with valine, which is neutral and non-polar, at codon 1087 of the COL4A1 protein (p.Ile1087Val).